The following is an entry in ClinVar:

ClinVar aggregate classification (germline): Uncertain significance. Review status: criteria provided, multiple submitters, no conflicts (2 of 4 stars). 4 submissions from 4 submitters: Uncertain significance (4). Last evaluated 2026-02-06.

Conditions:
TFG-related disorder. Also called: TFG-related disorders; TFG-related condition.
Inborn genetic diseases. Identifiers: MedGen C0950123, MeSH D030342.
Hereditary motor and sensory neuropathy, Okinawa type (HMSNO). Also called: HEREDITARY MOTOR AND SENSORY NEUROPATHY, PROXIMAL TYPE. Identifiers: Orphanet 90117, MedGen C1858338, MONDO:0011468, OMIM 604484.
Hereditary spastic paraplegia 57. Also called: Spastic paraplegia 57, autosomal recessive. Identifiers: Orphanet 431329, MedGen C3714897, MONDO:0014295, OMIM 615658.

Allele frequency attached by ClinVar (database versions not stated): gnomAD exomes 0.00001 and below 0.00001; ExAC 0.00002; TOPMed 0.00003; gnomAD 0.00009 and 0.00011.
gnomAD v4.1: 24 of 1,604,780 alleles (0.0015%); highest among the groups gnomAD compares: Admixed American, 0.033%; no homozygotes.

Submissions (4):

PreventionGenetics, part of Exact Sciences
Classification: Uncertain significance for TFG-related condition. Last evaluated: 2026-02-06. Review status: criteria provided, single submitter. Criteria: ACMG Guidelines, 2015. Collection method: clinical testing. Allele origin: germline.
Comment: The TFG c.395C>A variant is predicted to result in the amino acid substitution p.Ser132Tyr. To our knowledge, this variant has not been reported in the literature. This variant has been reported in 1 heterozygous individual within the ‘other’ subpopulation in gnomAD. At this time, the clinical significance of this variant is uncertain due to the absence of conclusive functional and genetic evidence.

Labcorp Genetics (formerly Invitae), Labcorp
Classification: Uncertain significance for Hereditary motor and sensory neuropathy, Okinawa type; Hereditary spastic paraplegia 57. Last evaluated: 2026-01-05. Review status: criteria provided, single submitter. Criteria: Invitae Variant Classification Sherloc (09022015). Collection method: clinical testing. Allele origin: germline.
Comment: This sequence change replaces serine, which is neutral and polar, with tyrosine, which is neutral and polar, at codon 132 of the TFG protein (p.Ser132Tyr). This variant is present in population databases (rs780219953, gnomAD no frequency). This variant has not been reported in the literature in individuals affected with TFG-related conditions. ClinVar contains an entry for this variant (Variation ID: 864373). Invitae Evidence Modeling of protein sequence and biophysical properties (such as structural, functional, and spatial information, amino acid conservation, physicochemical variation, residue mobility, and thermodynamic stability) indicates that this missense variant is not expected to disrupt TFG protein function with a negative predictive value of 80%. In summary, the available evidence is currently insufficient to determine the role of this variant in disease. Therefore, it has been classified as a Variant of Uncertain Significance.

GeneDx
Classification: Uncertain significance. Last evaluated: 2023-05-02. Review status: criteria provided, single submitter. Criteria: GeneDx Variant Classification Process June 2021. Collection method: clinical testing. Allele origin: germline. Affected: yes.
Comment: Not observed at significant frequency in large population cohorts (gnomAD); In silico analysis supports that this missense variant has a deleterious effect on protein structure/function; Has not been previously published as pathogenic or benign to our knowledge

Ambry Genetics
Classification: Uncertain significance for Inborn genetic diseases. Last evaluated: 2022-08-16. Review status: criteria provided, single submitter. Criteria: Ambry Variant Classification Scheme 2023. Collection method: clinical testing. Allele origin: germline.

NM_006070.6(TFG):c.395C>A (p.Ser132Tyr)

Gene: TFG (trafficking from ER to golgi regulator; plus strand). Cytogenetic location: 3q12.2.
Variant type: single nucleotide variant.
Coding change: c.395C>A on transcript NM_006070.6 (MANE Select); coding-DNA position 395, C replaced by A.
Protein change: p.Ser132Tyr; replaces serine 132 with tyrosine.
Molecular consequence: missense variant.
Genome position (GRCh38, 1-based): chr3:100,728,838, C>A. VCF-style: chr3-100728838-C-A. GRCh37 (hg19) VCF-style: chr3-100447682-C-A.
Other names: c.395C>A, p.Ser132Tyr (NM_001007565.2, NM_001195478.2, NM_001195479.2); short protein forms S132Y.
Identifiers: ClinVar variation 864373 (VCV000864373.14), dbSNP rs780219953, ClinGen allele CA2517062.
Genomic context (GRCh38, chr3:100,728,838, plus strand): 5'-TTCGAAATAAAGTGAATCGTTTATTGGATAGCTTGGAACCACCTGGAGAACCAGGACCTT[C>A]CACCAATATTCCTGAAAATGGTAAACCCTGAATCCATTGTATTCTGACTTATTGTTCTTA-3'
Protein context (NP_006061.2, residues 122-142): SLEPPGEPGP[Ser132Tyr]TNIPENDTVD